The following is an entry in ClinVar:

ClinVar aggregate classification (germline): Uncertain significance (1 of 4 stars; one submission).

Submission:

GeneDx
Classification: Uncertain significance. Last evaluated: 2022-06-01. Review status: criteria provided, single submitter. Criteria: GeneDx Variant Classification Process June 2021. Collection method: clinical testing. Allele origin: germline. Affected: yes.
Comment: Not observed at significant frequency in large population cohorts (gnomAD); In silico analysis supports that this missense variant has a deleterious effect on protein structure/function; Has not been previously published as pathogenic or benign to our knowledge

NM_021098.3(CACNA1H):c.5282T>C (p.Phe1761Ser)

Gene: CACNA1H (calcium voltage-gated channel subunit alpha1 H; plus strand). Cytogenetic location: 16p13.3.
Variant type: single nucleotide variant.
Coding change: c.5282T>C on transcript NM_021098.3 (MANE Select); coding-DNA position 5282, T replaced by C.
Protein change: p.Phe1761Ser; replaces phenylalanine 1761 with serine.
Molecular consequence: missense variant.
Genome position (GRCh38, 1-based): chr16:1,216,969, T>C. VCF-style: chr16-1216969-T-C. GRCh37 (hg19) VCF-style: chr16-1266969-T-C.
Other names: c.5264T>C, p.Phe1755Ser (NM_001005407.2); short protein forms F1755S, F1761S.
Identifiers: ClinVar variation 1802114 (VCV001802114.1), dbSNP rs2548725151, ClinGen allele CA394146811.